The following is an entry in ClinVar:

NM_005120.3(MED12):c.4299T>C (p.Ala1433=)

Gene: MED12 (mediator complex subunit 12; plus strand). Cytogenetic location: Xq13.1.
Variant type: single nucleotide variant.
Coding change: c.4299T>C on transcript NM_005120.3 (MANE Select); coding-DNA position 4299, T replaced by C.
Protein change: p.Ala1433=; no amino-acid change (alanine 1433 retained).
Molecular consequence: synonymous variant.
Genome position (GRCh38, 1-based): chrX:71,132,422, T>C. VCF-style: chrX-71132422-T-C. GRCh37 (hg19) VCF-style: chrX-70352272-T-C.
Identifiers: ClinVar variation 390107 (VCV000390107.13), dbSNP rs763359998, ClinGen allele CA10444626.
Genomic context (GRCh38, chrX:71,132,422, plus strand): 5'-CTGTCTGTTCTCCAGCTCTCTAGAGCGCTCTGGTGTATGGCTGGTGGCCCCCCTCATTGC[T>C]AAACTGCCCACCTCAGTCCAGGGACATGTGTTAAAGGCTGCTGGGGAAGAATTGGAGAAG-3'
Protein context (NP_005111.2, residues 1423-1443): SGVWLVAPLI[Ala1433=]KLPTSVQGHV

ClinVar aggregate classification (germline): Benign/Likely benign. Review status: criteria provided, multiple submitters, no conflicts (2 of 4 stars). 4 submissions from 4 submitters: Benign (1); Likely benign (3). Last evaluated 2025-10-08.

Conditions:
FG syndrome (FGS). Identifiers: MedGen C0220769, MONDO:0002010.
MED12-Related Disorders. Also called: MED12-related condition; MED12-related disorder. Identifiers: MedGen CN381102.
Familial thoracic aortic aneurysm and aortic dissection (TAAD). Also called: Thoracic aortic aneurysms and dissections. Identifiers: Orphanet 91387, MedGen C4707243, MONDO:0019625.

Allele frequency attached by ClinVar (database versions not stated): gnomAD 0.00002; gnomAD exomes 0.00006 and 0.00014; TOPMed 0.00011; ExAC 0.00017.
gnomAD v4.1: 30 of 1,209,465 alleles (0.0025%); highest among the groups gnomAD compares: Admixed American, 0.066%; no homozygotes.

Submissions (4):

Labcorp Genetics (formerly Invitae), Labcorp
Classification: Benign for FG syndrome. Last evaluated: 2025-10-08. Review status: criteria provided, single submitter. Criteria: Invitae Variant Classification Sherloc (09022015). Collection method: clinical testing. Allele origin: germline.

PreventionGenetics, part of Exact Sciences
Classification: Likely benign for MED12-related condition. Last evaluated: 2024-12-21. Review status: criteria provided, single submitter. Criteria: ACMG Guidelines, 2015. Collection method: clinical testing. Allele origin: germline.
Comment: This variant is classified as likely benign based on ACMG/AMP sequence variant interpretation guidelines (Richards et al. 2015 PMID: 25741868, with internal and published modifications).

GeneDx
Classification: Likely benign. Last evaluated: 2016-10-20. Review status: criteria provided, single submitter. Criteria: GeneDx Variant Classification (06012015). Collection method: clinical testing. Allele origin: germline. Affected: yes.
Comment: This variant is considered likely benign or benign based on one or more of the following criteria: it is a conservative change, it occurs at a poorly conserved position in the protein, it is predicted to be benign by multiple in silico algorithms, and/or has population frequency not consistent with disease.

Ambry Genetics
Classification: Likely benign for Familial thoracic aortic aneurysm and aortic dissection. Last evaluated: 2014-09-18. Review status: criteria provided, single submitter. Criteria: Ambry Variant Classification Scheme 2023. Collection method: clinical testing. Allele origin: germline.